The following is an entry in ClinVar:

NM_006343.3(MERTK):c.1824G>A (p.Gln608=)

Gene: MERTK (MER proto-oncogene, tyrosine kinase; plus strand). Cytogenetic location: 2q13.
Variant type: single nucleotide variant.
Coding change: c.1824G>A on transcript NM_006343.3 (MANE Select); coding-DNA position 1824, G replaced by A.
Protein change: p.Gln608=; no amino-acid change (glutamine 608 retained).
Molecular consequence: synonymous variant.
Genome position (GRCh38, 1-based): chr2:112,003,941, G>A. VCF-style: chr2-112003941-G-A. GRCh37 (hg19) VCF-style: chr2-112761518-G-A.
Other names: c.1824G>A (NM_006343.2).
Identifiers: ClinVar variation 1086523 (VCV001086523.11), dbSNP rs1375860934, ClinGen allele CA428274933.

ClinVar aggregate classification (germline): Likely benign. Review status: criteria provided, multiple submitters, no conflicts (2 of 4 stars). 3 submissions from 3 submitters: Likely benign (3). Last evaluated 2024-11-28.

Conditions:
MERTK-related disorder. Also called: MERTK-related condition.

Allele frequency attached by ClinVar (database versions not stated): gnomAD exomes 0.00001 and 0.00002; gnomAD 0.00004; TOPMed 0.00005.
gnomAD v4.1: 18 of 1,613,702 alleles (0.0011%); highest among the groups gnomAD compares: Admixed American, 0.025%; no homozygotes.

Submissions (3):

Labcorp Genetics (formerly Invitae), Labcorp
Classification: Likely benign. Last evaluated: 2024-11-28. Review status: criteria provided, single submitter. Criteria: Invitae Variant Classification Sherloc (09022015). Collection method: clinical testing. Allele origin: germline.

PreventionGenetics, part of Exact Sciences
Classification: Likely benign for MERTK-related condition. Last evaluated: 2024-10-18. Review status: criteria provided, single submitter. Criteria: ACMG Guidelines, 2015. Collection method: clinical testing. Allele origin: germline.
Comment: This variant is classified as likely benign based on ACMG/AMP sequence variant interpretation guidelines (Richards et al. 2015 PMID: 25741868, with internal and published modifications).

Blueprint Genetics
Classification: Likely benign. Last evaluated: 2024-05-22. Review status: criteria provided, single submitter. Criteria: ACMG Guidelines, 2015. Collection method: clinical testing. Allele origin: germline.